The following is an entry in ClinVar:

ClinVar aggregate classification (germline): Uncertain significance. Review status: criteria provided, multiple submitters, no conflicts (2 of 4 stars). 2 submissions from 2 submitters: Uncertain significance (2). Last evaluated 2025-06-14.

Submissions (2):

Labcorp Genetics (formerly Invitae), Labcorp
Classification: Uncertain significance. Last evaluated: 2025-06-14. Review status: criteria provided, single submitter. Criteria: Invitae Variant Classification Sherloc (09022015). Collection method: clinical testing. Allele origin: germline.
Comment: This sequence change replaces alanine, which is neutral and non-polar, with threonine, which is neutral and polar, at codon 76 of the ADIPOR1 protein (p.Ala76Thr). This variant is not present in population databases (gnomAD no frequency). This variant has not been reported in the literature in individuals affected with ADIPOR1-related conditions. An algorithm developed to predict the effect of missense changes on protein structure and function (PolyPhen-2) suggests that this variant is likely to be disruptive. In summary, the available evidence is currently insufficient to determine the role of this variant in disease. Therefore, it has been classified as a Variant of Uncertain Significance.

Blueprint Genetics
Classification: Uncertain significance. Last evaluated: 2022-02-25. Review status: criteria provided, single submitter. Criteria: ACMG Guidelines, 2015. Collection method: clinical testing. Allele origin: germline.

NM_015999.6(ADIPOR1):c.226G>A (p.Ala76Thr)

Gene: ADIPOR1 (adiponectin receptor 1; minus strand). Cytogenetic location: 1q32.1.
Variant type: single nucleotide variant.
Coding change: c.226G>A on transcript NM_015999.6 (MANE Select); coding-DNA position 226, G replaced by A.
Protein change: p.Ala76Thr; replaces alanine 76 with threonine.
Molecular consequence: missense variant.
Genome position (GRCh38, 1-based): chr1:202,948,336, C>T on the plus strand (G>A on the coding strand, the complement: ADIPOR1 is on the minus strand). VCF-style: chr1-202948336-C-T. GRCh37 (hg19) VCF-style: chr1-202917464-C-T.
Other names: c.226G>A, p.Ala76Thr (NM_001290553.2, NM_001290557.1, NM_001290629.1); short protein forms A76T.
Identifiers: ClinVar variation 4750235 (VCV004750235.2).
Genomic context (GRCh38, chr1:202,948,336, plus strand): 5'-TTCCAGGACAGAAGCTCATAGGCCATACCTTGTACACAAACTCTTCCATCTTCTCCATGG[C>T]GTGGTGGGCTTGCAGGGGAAGTGTCAGTACCCGCACCTCCTCCTCTTCTTCCTGGGGCAC-3'
Protein context (NP_057083.2, residues 66-86): VLTLPLQAHH[Ala76Thr]MEKMEEFVYK